The following is an entry in ClinVar:

NM_057175.5(NAA15):c.691+4T>C

Gene: NAA15 (N-alpha-acetyltransferase 15, NatA auxiliary subunit; plus strand). Cytogenetic location: 4q31.1.
Variant type: single nucleotide variant.
Coding change: c.691+4T>C on transcript NM_057175.5 (MANE Select); 4 bases into the intron after coding-DNA position 691, T replaced by C.
Molecular consequence: intron variant.
Genome position (GRCh38, 1-based): chr4:139,344,343, T>C. VCF-style: chr4-139344343-T-C. GRCh37 (hg19) VCF-style: chr4-140265497-T-C.
Other names: c.691+4T>C (NM_001410842.1).
Identifiers: ClinVar variation 4773840 (VCV004773840.1).

ClinVar aggregate classification (germline): Uncertain significance (1 of 4 stars; one submission).

gnomAD v4.1: 1 of 1,599,810 alleles (0.000063%); highest among the groups gnomAD compares: Non-Finnish European, 0.000085%; no homozygotes.

Submission:

Labcorp Genetics (formerly Invitae), Labcorp
Classification: Uncertain significance. Last evaluated: 2025-11-19. Review status: criteria provided, single submitter. Criteria: Invitae Variant Classification Sherloc (09022015). Collection method: clinical testing. Allele origin: germline.
Comment: This sequence change falls in intron 6 of the NAA15 gene. It does not directly change the encoded amino acid sequence of the NAA15 protein. It affects a nucleotide within the consensus splice site. This variant is not present in population databases (gnomAD no frequency). This variant has not been reported in the literature in individuals affected with NAA15-related conditions. Variants that disrupt the consensus splice site are a relatively common cause of aberrant splicing (PMID: 17576681, 9536098). Algorithms developed to predict the effect of sequence changes on RNA splicing suggest that this variant is not likely to affect RNA splicing. In summary, the available evidence is currently insufficient to determine the role of this variant in disease. Therefore, it has been classified as a Variant of Uncertain Significance.

Literature cited by the submitters: PubMed 17576681; PubMed 9536098.